The following is an entry in ClinVar:

NM_004260.4(RECQL4):c.2549T>C (p.Phe850Ser)

Gene: RECQL4 (RecQ like helicase 4; minus strand). Cytogenetic location: 8q24.3.
Variant type: single nucleotide variant.
Coding change: c.2549T>C on transcript NM_004260.4 (MANE Select); coding-DNA position 2549, T replaced by C.
Protein change: p.Phe850Ser; replaces phenylalanine 850 with serine.
Molecular consequence: missense variant.
Genome position (GRCh38, 1-based): chr8:144,513,053, A>G on the plus strand (T>C on the coding strand, the complement: RECQL4 is on the minus strand). VCF-style: chr8-144513053-A-G. GRCh37 (hg19) VCF-style: chr8-145738436-A-G.
Other names: short protein forms F850S.
Identifiers: ClinVar variation 1404121 (VCV001404121.6), dbSNP rs2130672533, ClinGen allele CA372677078.

ClinVar aggregate classification (germline): Uncertain significance (1 of 4 stars; one submission).

Conditions:
Baller-Gerold syndrome (BGS). Also called: CRANIOSYNOSTOSIS WITH RADIAL DEFECTS. Identifiers: Orphanet 1225, MedGen C0265308, MONDO:0009039, OMIM 218600.

Allele frequency attached by ClinVar (database versions not stated): gnomAD exomes below 0.00001.
gnomAD v4.1: 1 of 1,578,608 alleles (0.000063%); highest among the groups gnomAD compares: East Asian, 0.0023%; no homozygotes.

Submission:

Labcorp Genetics (formerly Invitae), Labcorp
Classification: Uncertain significance for Baller-Gerold syndrome. Last evaluated: 2021-07-03. Review status: criteria provided, single submitter. Criteria: Invitae Variant Classification Sherloc (09022015). Collection method: clinical testing. Allele origin: germline.
Comment: This sequence change replaces phenylalanine with serine at codon 850 of the RECQL4 protein (p.Phe850Ser). The phenylalanine residue is highly conserved and there is a large physicochemical difference between phenylalanine and serine. This variant is not present in population databases (ExAC no frequency). This variant has not been reported in the literature in individuals affected with RECQL4-related conditions. Experimental studies and prediction algorithms are not available or were not evaluated, and the functional significance of this variant is currently unknown. In summary, the available evidence is currently insufficient to determine the role of this variant in disease. Therefore, it has been classified as a Variant of Uncertain Significance.